The following is an entry in ClinVar:

ClinVar aggregate classification (germline): Uncertain significance. Review status: criteria provided, multiple submitters, no conflicts (2 of 4 stars). 5 submissions from 5 submitters: Uncertain significance (5). Last evaluated 2025-03-23.

Allele frequency attached by ClinVar (database versions not stated): gnomAD exomes 0.00002; ExAC 0.00003; gnomAD 0.00003; TOPMed 0.00003.
gnomAD v4.1: 75 of 1,614,128 alleles (0.0046%); highest among the groups gnomAD compares: Non-Finnish European, 0.0058%; no homozygotes.

Submissions (5):

GeneDx
Classification: Uncertain significance. Last evaluated: 2025-03-23. Review status: criteria provided, single submitter. Criteria: GeneDx Variant Classification Process June 2021. Collection method: clinical testing. Allele origin: germline. Affected: yes.
Comment: Not observed at significant frequency in large population cohorts (gnomAD); In silico analysis indicates that this missense variant does not alter protein structure/function; Has not been previously published as pathogenic or benign to our knowledge

Blueprint Genetics
Classification: Uncertain significance. Last evaluated: 2024-07-01. Review status: criteria provided, single submitter. Criteria: ACMG Guidelines, 2015. Collection method: clinical testing. Allele origin: germline.

Labcorp Genetics (formerly Invitae), Labcorp
Classification: Uncertain significance. Last evaluated: 2024-03-13. Review status: criteria provided, single submitter. Criteria: Invitae Variant Classification Sherloc (09022015). Collection method: clinical testing. Allele origin: germline.
Comment: This sequence change replaces lysine, which is basic and polar, with arginine, which is basic and polar, at codon 642 of the TWNK protein (p.Lys642Arg). This variant is present in population databases (rs748463127, gnomAD 0.005%). This variant has not been reported in the literature in individuals affected with TWNK-related conditions. ClinVar contains an entry for this variant (Variation ID: 1012556). Advanced modeling of protein sequence and biophysical properties (such as structural, functional, and spatial information, amino acid conservation, physicochemical variation, residue mobility, and thermodynamic stability) has been performed at Invitae for this missense variant, however the output from this modeling did not meet the statistical confidence thresholds required to predict the impact of this variant on TWNK protein function. In summary, the available evidence is currently insufficient to determine the role of this variant in disease. Therefore, it has been classified as a Variant of Uncertain Significance.

Women's Health and Genetics/Laboratory Corporation of America, LabCorp
Classification: Uncertain significance. Last evaluated: 2023-11-08. Review status: criteria provided, single submitter. Criteria: LabCorp Variant Classification Summary - May 2015. Collection method: clinical testing. Allele origin: germline.
Comment: Variant summary: C10orf2 c.1925A>G (p.Lys642Arg) results in a conservative amino acid change located in the DNA helicase, DnaB-like, C-terminal domain (IPR007694) of the encoded protein sequence. Three of five in-silico tools predict a damaging effect of the variant on protein function. The variant allele was found at a frequency of 1.6e-05 in 251492 control chromosomes (gnomAD). The available data on variant occurrences in the general population are insufficient to allow any conclusion about variant significance. To our knowledge, no occurrence of c.1925A>G in individuals affected with Progressive External Ophthalmoplegia With Mitochondrial DNA Deletions, Autosomal Dominant 3 and no experimental evidence demonstrating its impact on protein function have been reported. Two submitters have cited clinical-significance assessments for this variant to ClinVar after 2014. Both submitters classified the variant as uncertain significance. Based on the evidence outlined above, the variant was classified as uncertain significance.

CeGaT Center for Human Genetics Tuebingen
Classification: Uncertain significance. Last evaluated: 2020-08-01. Review status: criteria provided, single submitter. Criteria: CeGaT Center For Human Genetics Tuebingen Variant Classification Criteria Version 2. Collection method: clinical testing. Allele origin: germline. Affected: yes. Observed: 1 variant allele.

NM_021830.5(TWNK):c.1925A>G (p.Lys642Arg)

Gene: TWNK (twinkle mtDNA helicase; plus strand). Cytogenetic location: 10q24.31.
Variant type: single nucleotide variant.
Coding change: c.1925A>G on transcript NM_021830.5 (MANE Select); coding-DNA position 1925, A replaced by G.
Protein change: p.Lys642Arg; replaces lysine 642 with arginine.
Molecular consequence: missense variant. On other transcripts: 3 prime UTR variant (2), non-coding transcript variant (5).
Genome position (GRCh38, 1-based): chr10:100,993,380, A>G. VCF-style: chr10-100993380-A-G. GRCh37 (hg19) VCF-style: chr10-102753137-A-G.
Other names: c.1925A>G (NM_021830.4); c.*220A>G (NM_001163812.2, NM_001163814.2); c.563A>G, p.Lys188Arg (NM_001163813.2, NM_001368275.1); short protein forms K188R, K642R.
Identifiers: ClinVar variation 1012556 (VCV001012556.44), dbSNP rs748463127, ClinGen allele CA5653368.